The following is an entry in ClinVar:

ClinVar aggregate classification (germline): Likely benign (0 of 4 stars; one submission).

Conditions:
SFXN4-related disorder. Also called: SFXN4-related condition.

Allele frequency attached by ClinVar (database versions not stated): ExAC 0.00001; gnomAD 0.00002; TOPMed 0.00002; gnomAD exomes 0.00006.
gnomAD v4.1: 100 of 1,564,810 alleles (0.0064%); highest among the groups gnomAD compares: Non-Finnish European, 0.0078%; no homozygotes.

Submission:

PreventionGenetics, part of Exact Sciences
Classification: Likely benign for SFXN4-related condition. Last evaluated: 2020-02-17. Review status: no assertion criteria provided. Collection method: clinical testing. Allele origin: germline.
Comment: This variant is classified as likely benign based on ACMG/AMP sequence variant interpretation guidelines (Richards et al. 2015 PMID: 25741868, with internal and published modifications).

NM_213649.2(SFXN4):c.617-9C>T

Gene: SFXN4 (sideroflexin 4; minus strand). Cytogenetic location: 10q26.11.
Variant type: single nucleotide variant.
Coding change: c.617-9C>T on transcript NM_213649.2 (MANE Select); 9 bases into the intron before coding-DNA position 617, C replaced by T.
Molecular consequence: intron variant.
Genome position (GRCh38, 1-based): chr10:119,155,186, G>A on the plus strand (C>T on the coding strand, the complement: SFXN4 is on the minus strand). VCF-style: chr10-119155186-G-A. GRCh37 (hg19) VCF-style: chr10-120914698-G-A.
Identifiers: ClinVar variation 3051086 (VCV003051086.2), dbSNP rs776326517, ClinGen allele CA5714447.